The following is an entry in ClinVar:

ClinVar aggregate classification (germline): Conflicting classifications of pathogenicity. Review status: criteria provided, conflicting classifications (1 of 4 stars). 4 submissions from 4 submitters: Uncertain significance (2); Benign (1). 1 of the submissions does not count toward it. Last evaluated 2025-05-17.

Conditions:
Polycystic kidney disease 4 (PKD4). Also called: POLYCYSTIC KIDNEY DISEASE 4 WITH OR WITHOUT POLYCYSTIC LIVER DISEASE; PKD3; POLYCYSTIC KIDNEY AND HEPATIC DISEASE 1; POLYCYSTIC KIDNEY DISEASE, INFANTILE, TYPE I; Autosomal Recessive Polycystic Kidney Disease – PKHD1. Identifiers: MedGen C4540575, MONDO:0033004, OMIM 263200.
PKHD1-related disorder. Also called: PKHD1-related condition.
Autosomal recessive polycystic kidney disease (ARPKD). Also called: AR polycystic kidney disease. Identifiers: Orphanet 731, Orphanet 8378, MedGen C0085548, MeSH D017044, MONDO:0009889.

Submissions (4):

Labcorp Genetics (formerly Invitae), Labcorp
Classification: Benign for Autosomal recessive polycystic kidney disease. Last evaluated: 2025-05-17. Review status: criteria provided, single submitter. Criteria: Invitae Variant Classification Sherloc (09022015). Collection method: clinical testing. Allele origin: germline.

Revvity Omics, Revvity
Classification: Uncertain significance for Polycystic kidney disease 4. Last evaluated: 2023-05-02. Review status: criteria provided, single submitter. Criteria: ACMG Guidelines, 2015. Collection method: clinical testing. Allele origin: germline.

Eurofins Ntd Llc (ga)
Classification: Uncertain significance. Last evaluated: 2018-02-10. Review status: criteria provided, single submitter. Criteria: EGL ClinVar v180209 classification definitions. Collection method: clinical testing. Allele origin: germline. Observed: 2 variant alleles, 2 heterozygotes.

PreventionGenetics, part of Exact Sciences
Classification: Likely benign for PKHD1-related condition. Last evaluated: 2020-02-18. Review status: no assertion criteria provided. Collection method: clinical testing. Allele origin: germline. Not counted in ClinVar's aggregate classification.
Comment: This variant is classified as likely benign based on ACMG/AMP sequence variant interpretation guidelines (Richards et al. 2015 PMID: 25741868, with internal and published modifications).

NM_138694.4(PKHD1):c.528-17dup

Gene: PKHD1 (PKHD1 ciliary IPT domain containing fibrocystin/polyductin; minus strand). Cytogenetic location: 6p12.2.
Variant type: Duplication.
Coding change: c.528-17dup on transcript NM_138694.4 (MANE Select); 17 bases into the intron before coding-DNA position 528, one base duplicated (T; older notation c.528-17dupT).
Molecular consequence: intron variant.
Genome position (GRCh38, 1-based): chr6:52,072,198, A duplicated on the plus strand (T on the coding strand, the reverse complement: PKHD1 is on the minus strand); the first of 9 consecutive A bases (chr6:52,072,198-52,072,206); duplicating any one gives the same sequence. VCF-style (leftmost placement, unchanged base first): chr6-52072197-T-TA. GRCh37 (hg19) VCF-style: chr6-51936995-T-TA.
Other names: c.528-9dup (NM_138694.4); c.528-9dupT (NM_138694.3); c.528-17dup (NM_170724.3).
Identifiers: ClinVar variation 596107 (VCV000596107.17), dbSNP rs753686281, ClinGen allele CA3853881.